The following is an entry in ClinVar:

ClinVar aggregate classification (germline): Uncertain significance (1 of 4 stars; one submission).

Allele frequency attached by ClinVar (database versions not stated): TOPMed below 0.00001; ExAC 0.00001; gnomAD 0.00001; ESP Exome Variant Server 0.00008.
gnomAD v4.1: 2 of 1,613,926 alleles (0.00012%); highest among the groups gnomAD compares: Non-Finnish European, 0.00017%; no homozygotes.

Submission:

Labcorp Genetics (formerly Invitae), Labcorp
Classification: Uncertain significance. Last evaluated: 2022-12-10. Review status: criteria provided, single submitter. Criteria: Invitae Variant Classification Sherloc (09022015). Collection method: clinical testing. Allele origin: germline.
Comment: This variant has not been reported in the literature in individuals affected with ALPK3-related conditions. In summary, the available evidence is currently insufficient to determine the role of this variant in disease. Therefore, it has been classified as a Variant of Uncertain Significance. Algorithms developed to predict the effect of missense changes on protein structure and function output the following: SIFT: "Tolerated"; PolyPhen-2: "Benign"; Align-GVGD: "Class C0". The serine amino acid residue is found in multiple mammalian species, which suggests that this missense change does not adversely affect protein function. This variant is present in population databases (rs369329091, gnomAD no frequency). This sequence change replaces asparagine, which is neutral and polar, with serine, which is neutral and polar, at codon 1816 of the ALPK3 protein (p.Asn1816Ser).

NM_020778.5(ALPK3):c.4841A>G (p.Asn1614Ser)

Gene: ALPK3 (alpha kinase 3; plus strand). Cytogenetic location: 15q25.3.
Variant type: single nucleotide variant.
Coding change: c.4841A>G on transcript NM_020778.5 (MANE Select); coding-DNA position 4841, A replaced by G.
Protein change: p.Asn1614Ser; replaces asparagine 1614 with serine.
Molecular consequence: missense variant.
Genome position (GRCh38, 1-based): chr15:84,868,179, A>G. VCF-style: chr15-84868179-A-G. GRCh37 (hg19) VCF-style: chr15-85411410-A-G.
Other names: short protein forms N1614S.
Identifiers: ClinVar variation 2974903 (VCV002974903.3), dbSNP rs369329091, ClinGen allele CA7710102.